The following is an entry in ClinVar:

ClinVar aggregate classification (germline): Likely benign. Review status: criteria provided, single submitter (1 of 4 stars). 2 submissions from 2 submitters: Likely benign (1). 1 of the submissions does not count toward it. Last evaluated 2025-03-26.

Conditions:
Cohen syndrome (COH1). Also called: Cutis verticis gyrata, retinitis pigmentosa, and sensorineural deafness; PEPPER SYNDROME. Identifiers: Orphanet 193, MedGen C0265223, MONDO:0008999, OMIM 216550.
VPS13B-related disorder. Also called: VPS13B-related condition.

Allele frequency attached by ClinVar (database versions not stated): gnomAD exomes below 0.00001; TOPMed below 0.00001.
gnomAD v4.1: 1 of 1,614,054 alleles (0.000062%); highest among the groups gnomAD compares: Non-Finnish European, 0.000085%; no homozygotes.

Submissions (2):

Labcorp Genetics (formerly Invitae), Labcorp
Classification: Likely benign for Cohen syndrome. Last evaluated: 2025-03-26. Review status: criteria provided, single submitter. Criteria: Invitae Variant Classification Sherloc (09022015). Collection method: clinical testing. Allele origin: germline.

PreventionGenetics, part of Exact Sciences
Classification: Likely benign for VPS13B-related condition. Last evaluated: 2023-07-21. Review status: no assertion criteria provided. Collection method: clinical testing. Allele origin: germline. Not counted in ClinVar's aggregate classification.
Comment: This variant is classified as likely benign based on ACMG/AMP sequence variant interpretation guidelines (Richards et al. 2015 PMID: 25741868, with internal and published modifications).

NM_152564.5(VPS13B):c.7353C>T (p.Val2451=)

Gene: VPS13B (vacuolar protein sorting 13 homolog B; plus strand). Cytogenetic location: 8q22.2.
Variant type: single nucleotide variant.
Coding change: c.7353C>T on transcript NM_152564.5 (MANE Select); coding-DNA position 7353, C replaced by T.
Protein change: p.Val2451=; no amino-acid change (valine 2451 retained).
Molecular consequence: synonymous variant.
Genome position (GRCh38, 1-based): chr8:99,776,880, C>T. VCF-style: chr8-99776880-C-T. GRCh37 (hg19) VCF-style: chr8-100789108-C-T.
Other names: c.7428C>T, p.Val2476= (NM_017890.5); c.7353C>T (NM_152564.4).
Identifiers: ClinVar variation 1129016 (VCV001129016.10), dbSNP rs1232917163, ClinGen allele CA462449203.